The following is an entry in ClinVar:

ClinVar aggregate classification (germline): Benign (1 of 4 stars; one submission).

Allele frequency attached by ClinVar (database versions not stated): gnomAD 0.00004 and 0.00005; gnomAD exomes 0.00007 and 0.00036; TOPMed 0.00019; 1000 Genomes Project 0.00020; ExAC 0.00029; 1000 Genomes Project 30x 0.00031.
gnomAD v4.1: 104 of 1,599,574 alleles (0.0065%); highest among the groups gnomAD compares: Admixed American, 0.17%; no homozygotes.

Submission:

GeneDx
Classification: Benign. Last evaluated: 2014-03-18. Review status: criteria provided, single submitter. Criteria: GeneDx Variant Classification (06012015). Collection method: clinical testing. Allele origin: germline. Affected: yes.
Comment: This variant is considered likely benign or benign based on one or more of the following criteria: it is a conservative change, it occurs at a poorly conserved position in the protein, it is predicted to be benign by multiple in silico algorithms, and/or has population frequency not consistent with disease.

NM_015443.4(KANSL1):c.-12T>C

Gene: KANSL1 (KAT8 regulatory NSL complex subunit 1). Cytogenetic location: 17q21.31.
Variant type: single nucleotide variant.
Coding change: c.-12T>C on transcript NM_015443.4 (MANE Select); 12 bases upstream of the start codon, T replaced by C.
Molecular consequence: 5 prime UTR variant.
Genome position (GRCh38, 1-based): chr17:46,172,155, A>G on the plus strand (T>C on the coding strand, the complement: KANSL1 is on the minus strand). VCF-style: chr17-46172155-A-G. GRCh37 (hg19) VCF-style: chr17-44249521-A-G.
Other names: c.-12T>C (NM_001193465.2, NM_001193466.2, NM_001379198.1).
Identifiers: ClinVar variation 137973 (VCV000137973.1), dbSNP rs560212050, ClinGen allele CA291712.